The following is an entry in ClinVar:

ClinVar aggregate classification (germline): Uncertain significance (1 of 4 stars; one submission).

Conditions:
Ehlers-Danlos syndrome, classic type, 1 (EDSCL1). Also called: EDS I; EHLERS-DANLOS SYNDROME, GRAVIS TYPE; EHLERS-DANLOS SYNDROME, SEVERE CLASSIC TYPE; Ehlers-Danlos Syndrome, Classic Type, COL5A1-Related; Ehlers-Danlos syndrome, type 1. Identifiers: MedGen C0268335, MONDO:0019567, OMIM 130000.

Submission:

Labcorp Genetics (formerly Invitae), Labcorp
Classification: Uncertain significance for Ehlers-Danlos syndrome, classic type, 1. Last evaluated: 2025-09-28. Review status: criteria provided, single submitter. Criteria: Invitae Variant Classification Sherloc (09022015). Collection method: clinical testing. Allele origin: germline.
Comment: This sequence change affects codon 777 of the COL5A1 mRNA. It is a 'silent' change, meaning that it does not change the encoded amino acid sequence of the COL5A1 protein. This variant also falls at the last nucleotide of exon 26, which is part of the consensus splice site for this exon. This variant is not present in population databases (gnomAD no frequency). This variant has been observed in individual(s) with autosomal dominant Ehlers-Danlos syndrome (internal data). ClinVar contains an entry for this variant (Variation ID: 646617). Variants that disrupt the consensus splice site are a relatively common cause of aberrant splicing (PMID: 17576681, 9536098). Algorithms developed to predict the effect of sequence changes on RNA splicing suggest that this variant may disrupt the consensus splice site. In summary, the available evidence is currently insufficient to determine the role of this variant in disease. Therefore, it has been classified as a Variant of Uncertain Significance.

Literature cited by the submitters: PubMed 17576681; PubMed 9536098.

NM_000093.5(COL5A1):c.2331G>A (p.Gln777=)

Gene: COL5A1 (collagen type V alpha 1 chain; plus strand). Cytogenetic location: 9q34.3.
Variant type: single nucleotide variant.
Coding change: c.2331G>A on transcript NM_000093.5 (MANE Select); coding-DNA position 2331, G replaced by A.
Protein change: p.Gln777=; no amino-acid change (glutamine 777 retained).
Molecular consequence: synonymous variant.
Genome position (GRCh38, 1-based): chr9:134,772,834, G>A. VCF-style: chr9-134772834-G-A. GRCh37 (hg19) VCF-style: chr9-137664680-G-A.
Other names: c.2331G>A, p.Gln777= (NM_001278074.1).
Identifiers: ClinVar variation 646617 (VCV000646617.8), dbSNP rs1588532322, ClinGen allele CA467659168.